The following is an entry in ClinVar:

NM_002019.4(FLT1):c.1104A>G (p.Val368=)

Genes: FLT1 (fms related receptor tyrosine kinase 1; minus strand), LOC130009458 (ATAC-STARR-seq lymphoblastoid active region 7514; plus strand). Cytogenetic location: 13q12.3.
Variant type: single nucleotide variant.
Coding change: c.1104A>G on transcript NM_002019.4 (MANE Select); coding-DNA position 1104, A replaced by G.
Protein change: p.Val368=; no amino-acid change (valine 368 retained).
Molecular consequence: synonymous variant.
Genome position (GRCh38, 1-based): chr13:28,430,052, T>C on the plus strand (A>G on the coding strand, the complement: FLT1 is on the minus strand). VCF-style: chr13-28430052-T-C. GRCh37 (hg19) VCF-style: chr13-29004189-T-C.
Other names: c.1104A>G, p.Val368= (NM_001159920.2, NM_001160030.2, NM_001160031.1).
Identifiers: ClinVar variation 4872512 (VCV004872512.2).

ClinVar aggregate classification (germline): Likely benign (1 of 4 stars; one submission).

gnomAD v4.1: 33 of 1,599,950 alleles (0.0021%); highest among the groups gnomAD compares: African/African-American, 0.0053%; 1 homozygote.

Submission:

CeGaT Center for Human Genetics Tuebingen
Classification: Likely benign. Last evaluated: 2026-06-01. Review status: criteria provided, single submitter. Criteria: CeGaT Center For Human Genetics Tuebingen Variant Classification Criteria Version 2. Collection method: clinical testing. Allele origin: germline. Affected: yes. Observed: 1 variant allele.
Comment: FLT1: BP4, BP7